The following is an entry in ClinVar:

ClinVar aggregate classification (germline): Benign/Likely benign. Review status: criteria provided, multiple submitters, no conflicts (2 of 4 stars). 6 submissions from 6 submitters: Benign (5); Likely benign (1). Last evaluated 2026-02-03.

Conditions:
Primary ciliary dyskinesia 6. Also called: Primary Ciliary Dyskinesia 6: TXNDC3-Related Primary Ciliary Dyskinesia. Identifiers: Orphanet 244, MedGen C1970506, MONDO:0012571, OMIM 610852.
Primary ciliary dyskinesia. Also called: Ciliary dyskinesia. Identifiers: Orphanet 244, MedGen C0008780, MONDO:0016575, HP:0012265.

Allele frequency attached by ClinVar (database versions not stated): gnomAD exomes 0.09287 and 0.12168; ESP Exome Variant Server 0.12487; ExAC 0.12836; gnomAD 0.13654 and 0.13953; TOPMed 0.13699; 1000 Genomes Project 30x 0.19988; 1000 Genomes Project 0.20068.
gnomAD v4.1: 157,131 of 1,610,984 alleles (9.8%); highest among the groups gnomAD compares: African/African-American, 25%; 10,365 homozygotes.

Submissions (6):

Labcorp Genetics (formerly Invitae), Labcorp
Classification: Benign for Primary ciliary dyskinesia 6. Last evaluated: 2026-02-03. Review status: criteria provided, single submitter. Criteria: Invitae Variant Classification Sherloc (09022015). Collection method: clinical testing. Allele origin: germline.

Blueprint Genetics
Classification: Likely benign. Last evaluated: 2024-11-27. Review status: criteria provided, single submitter. Criteria: ACMG Guidelines, 2015. Collection method: clinical testing. Allele origin: germline.

GeneDx
Classification: Benign. Last evaluated: 2021-05-04. Review status: criteria provided, single submitter. Criteria: GeneDx Variant Classification Process June 2021. Collection method: clinical testing. Allele origin: germline. Affected: yes.

Ambry Genetics
Classification: Benign for Primary ciliary dyskinesia. Last evaluated: 2014-12-01. Review status: criteria provided, single submitter. Criteria: Ambry Variant Classification Scheme 2023. Collection method: clinical testing. Allele origin: germline.

Laboratory for Molecular Medicine, Mass General Brigham Personalized Medicine
Classification: Benign. Last evaluated: 2013-02-21. Review status: criteria provided, single submitter. Criteria: LMM Criteria. Collection method: clinical testing. Allele origin: germline. Observed: 15 variant alleles.
Comment: Arg280Arg in exon 12 of TXNDC3: This variant is not expected to have clinical si gnificance because it does not alter an amino acid residue and is not located wi thin the splice consensus sequence. It has been identified in 22.9% (1011/4406) of African American chromosomes from a broad population by the NHLBI Exome Seque ncing Project (dbSNP rs62001868).

PreventionGenetics, part of Exact Sciences
Classification: Benign. Review status: criteria provided, single submitter. Criteria: ACMG Guidelines, 2015. Collection method: clinical testing. Allele origin: germline.

NM_016616.5(NME8):c.840A>G (p.Arg280=)

Gene: NME8 (NME/NM23 family member 8; plus strand). Cytogenetic location: 7p14.1.
Variant type: single nucleotide variant.
Coding change: c.840A>G on transcript NM_016616.5 (MANE Select); coding-DNA position 840, A replaced by G.
Protein change: p.Arg280=; no amino-acid change (arginine 280 retained).
Molecular consequence: synonymous variant.
Genome position (GRCh38, 1-based): chr7:37,876,853, A>G. VCF-style: chr7-37876853-A-G. GRCh37 (hg19) VCF-style: chr7-37916455-A-G.
Identifiers: ClinVar variation 164802 (VCV000164802.21), dbSNP rs62001868, ClinGen allele CA177506.